The following is an entry in ClinVar:

NM_001330078.2(NRXN1):c.353G>A (p.Arg118His)

Gene: NRXN1 (neurexin 1; minus strand). Cytogenetic location: 2p16.3.
Variant type: single nucleotide variant.
Coding change: c.353G>A on transcript NM_001330078.2 (MANE Select); coding-DNA position 353, G replaced by A.
Protein change: p.Arg118His; replaces arginine 118 with histidine.
Molecular consequence: missense variant.
Genome position (GRCh38, 1-based): chr2:51,027,921, C>T on the plus strand (G>A on the coding strand, the complement: NRXN1 is on the minus strand). VCF-style: chr2-51027921-C-T. GRCh37 (hg19) VCF-style: chr2-51255059-C-T.
Other names: p.R118H:CGC>CAC; c.353G>A, p.Arg118His (NM_001135659.3, NM_001330077.2, NM_001330079.2 and 15 more transcripts); short protein forms R118H.
Identifiers: ClinVar variation 206237 (VCV000206237.2), dbSNP rs796052775, ClinGen allele CA316123.
Genomic context (GRCh38, chr2:51,027,921, plus strand): 5'-ACCCACTTGGCCTCCACCTGGTCGATGAAGAGCGTGGTGTTGCGGAACTGGCGGCGGATG[C>T]GCACGCTGTGCCAGGCGCCGTCGTTAACCGGCGTGTCGGCCAGGAGCGTCGCAGGCTCAG-3'
Protein context (NP_001317007.1, residues 108-128): PVNDGAWHSV[Arg118His]IRRQFRNTTL

ClinVar aggregate classification (germline): Uncertain significance (1 of 4 stars; one submission).

Allele frequency attached by ClinVar (database versions not stated): gnomAD 0.00001; TOPMed 0.00002.
gnomAD v4.1: 9 of 1,606,774 alleles (0.00056%); highest among the groups gnomAD compares: African/African-American, 0.0013%; no homozygotes.

Submission:

GeneDx
Classification: Uncertain significance. Last evaluated: 2014-05-21. Review status: criteria provided, single submitter. Criteria: GeneDx Variant Classification (06012015). Collection method: clinical testing. Allele origin: germline. Affected: yes.
Comment: The R118H variant has not been published as a mutation, nor has it been reported as a benign polymorphism to our knowledge. It was not observed in approximately 6,300 individuals of European and African American ancestry in the NHLBI Exome Sequencing Project, indicating it is not a common benign variant in these populations. It is a conservative amino acid substitution, which is not likely to impact secondary protein structure as these residues share similar properties. This substitution occurs at a position that is conserved in mammals, but not in more distantly related species. In silico analysis predicts this variant likely does not alter the protein structure/function. Therefore, based on the currently available information, it is unclear whether this variant is a pathogenic mutation or a rare benign variant. The variant is found in EPILEPSY panel(s).